The following is an entry in ClinVar:

NM_007194.4(CHEK2):c.1318A>T (p.Ile440Phe)

Gene: CHEK2 (checkpoint kinase 2; minus strand). Cytogenetic location: 22q12.1.
Variant type: single nucleotide variant.
Coding change: c.1318A>T on transcript NM_007194.4 (MANE Select); coding-DNA position 1318, A replaced by T.
Protein change: p.Ile440Phe; replaces isoleucine 440 with phenylalanine.
Molecular consequence: missense variant.
Genome position (GRCh38, 1-based): chr22:28,695,184, T>A on the plus strand (A>T on the coding strand, the complement: CHEK2 is on the minus strand). VCF-style: chr22-28695184-T-A. GRCh37 (hg19) VCF-style: chr22-29091172-T-A.
Other names: p.I440F:ATC>TTC; c.1447A>T, p.Ile483Phe (NM_001005735.3); c.655A>T, p.Ile219Phe (NM_001257387.3); c.1117A>T, p.Ile373Phe (NM_001349956.3); c.1231A>T, p.Ile411Phe (NM_145862.3); short protein forms I440F, I219F, I483F, I411F, I373F.
Identifiers: ClinVar variation 128058 (VCV000128058.4), dbSNP rs587780176, ClinGen allele CA288278.

ClinVar aggregate classification (germline): Uncertain significance. Review status: criteria provided, multiple submitters, no conflicts (2 of 4 stars). 2 submissions from 2 submitters: Uncertain significance (2). Last evaluated 2023-07-31.

Conditions:
Hereditary cancer-predisposing syndrome. Also called: Hereditary neoplastic syndrome; Neoplastic Syndromes, Hereditary; Hereditary Cancer Syndrome; Tumor predisposition. Identifiers: Orphanet 140162, MedGen C0027672, MeSH D009386, MONDO:0015356.

Submissions (2):

Ambry Genetics
Classification: Uncertain significance for Hereditary cancer-predisposing syndrome. Last evaluated: 2023-07-31. Review status: criteria provided, single submitter. Criteria: Ambry Variant Classification Scheme 2023. Collection method: clinical testing. Allele origin: germline.
Comment: The p.I440F variant (also known as c.1318A>T), located in coding exon 11 of the CHEK2 gene, results from an A to T substitution at nucleotide position 1318. The isoleucine at codon 440 is replaced by phenylalanine, an amino acid with highly similar properties. This amino acid position is conserved. In addition, this alteration is predicted to be deleterious by in silico analysis. Since supporting evidence is limited at this time, the clinical significance of this alteration remains unclear.

GeneDx
Classification: Uncertain significance. Last evaluated: 2013-12-30. Review status: criteria provided, single submitter. Criteria: GeneDx Variant Classification (06012015). Collection method: clinical testing. Allele origin: germline. Affected: yes.
Comment: This variant is denoted CHEK2 c.1318A>T at the cDNA level, p.Ile440Phe (I440F) at the protein level, and results in the change of an Isoleucine to a Phenylalanine (ATC>TTC) in exon 12. This variant has not, to our knowledge, been published in the literature as either a mutation or a benign polymorphism. CHEK2 Ile440Phe was not observed in approximately 6,500 individuals of European and African American ancestry in the NHLBI Exome Variant Server, indicating it is not a common benign variant in these populations. This variant is a conservative substitution of one neutral non-polar amino acid for another, altering a position that is well conserved throughout evolution and is located in the Protein Kinase domain. Multiple in silico algorithms predict that this variant may be damaging to protein structure and function. Based on the currently available information, we consider CHEK2 Ile440Phe to be a variant of unknown significance. This variant has been seen apparently mosaic. The variant is found in BR-OV-HEREDIC panel(s).